The following is an entry in ClinVar:

NM_001098.3(ACO2):c.890T>G (p.Phe297Cys)

Gene: ACO2 (aconitase 2; plus strand). Cytogenetic location: 22q13.2.
Variant type: single nucleotide variant.
Coding change: c.890T>G on transcript NM_001098.3 (MANE Select); coding-DNA position 890, T replaced by G.
Protein change: p.Phe297Cys; replaces phenylalanine 297 with cysteine.
Molecular consequence: missense variant.
Genome position (GRCh38, 1-based): chr22:41,517,581, T>G. VCF-style: chr22-41517581-T-G. GRCh37 (hg19) VCF-style: chr22-41913585-T-G.
Other names: short protein forms F297C.
Identifiers: ClinVar variation 2011949 (VCV002011949.4), dbSNP rs748972301, ClinGen allele CA10257492.
Genomic context (GRCh38, chr22:41,517,581, plus strand): 5'-CCACAGGCATGGCGACAATCTGCAACATGGGTGCAGAAATTGGGGCCACCACTTCCGTGT[T>G]CCCTTACAACCACAGGATGAAGAAGTACCTGAGCAAGACCGGCCGGGAAGGTGAGCTGGC-3'
Protein context (NP_001089.1, residues 287-307): GAEIGATTSV[Phe297Cys]PYNHRMKKYL

ClinVar aggregate classification (germline): Uncertain significance (1 of 4 stars; one submission).

Submission:

Labcorp Genetics (formerly Invitae), Labcorp
Classification: Uncertain significance. Last evaluated: 2022-07-12. Review status: criteria provided, single submitter. Criteria: Invitae Variant Classification Sherloc (09022015). Collection method: clinical testing. Allele origin: germline.
Comment: Advanced modeling of protein sequence and biophysical properties (such as structural, functional, and spatial information, amino acid conservation, physicochemical variation, residue mobility, and thermodynamic stability) performed at Invitae indicates that this missense variant is expected to disrupt ACO2 protein function. In summary, the available evidence is currently insufficient to determine the role of this variant in disease. Therefore, it has been classified as a Variant of Uncertain Significance. This variant has not been reported in the literature in individuals affected with ACO2-related conditions. This sequence change replaces phenylalanine, which is neutral and non-polar, with cysteine, which is neutral and slightly polar, at codon 297 of the ACO2 protein (p.Phe297Cys). This variant is present in population databases (rs748972301, gnomAD 0.01%).